The following is an entry in ClinVar:

NM_004168.4(SDHA):c.1305G>T (p.Leu435=)

Gene: SDHA (succinate dehydrogenase complex flavoprotein subunit A; plus strand). Cytogenetic location: 5p15.33.
Variant type: single nucleotide variant.
Coding change: c.1305G>T on transcript NM_004168.4 (MANE Select); coding-DNA position 1305, G replaced by T.
Protein change: p.Leu435=; no amino-acid change (leucine 435 retained).
Molecular consequence: synonymous variant.
Genome position (GRCh38, 1-based): chr5:236,472, G>T. VCF-style: chr5-236472-G-T. GRCh37 (hg19) VCF-style: chr5-236587-G-T.
Other names: p.Leu435=; c.1161G>T, p.Leu387= (NM_001294332.2); c.1305G>T, p.Leu435= (NM_001330758.2).
Identifiers: ClinVar variation 224954 (VCV000224954.40), dbSNP rs35964044, ClinGen allele CA358583.
Genomic context (GRCh38, chr5:236,472, plus strand): 5'-ATCTTCCTTTCCACAGGTCCTGAGGCACGTGAATGGCCAGGATCAGATTGTGCCCGGCCT[G>T]TACGCCTGTGGGGAGGCCGCCTGTGCCTCGGTACATGGTGCCAACCGCCTCGGGGCAAAC-3'
Protein context (NP_004159.2, residues 425-445): VNGQDQIVPG[Leu435=]YACGEAACAS

ClinVar aggregate classification (germline): Conflicting classifications of pathogenicity. Review status: criteria provided, conflicting classifications (1 of 4 stars). 18 submissions from 16 submitters: Uncertain significance (1); Benign (13); Likely benign (2). 2 of the submissions do not count toward it. Last evaluated 2026-02-04.

Conditions:
Pheochromocytoma/paraganglioma syndrome 5. Also called: Paragangliomas 5; SDHA-Related Hereditary Paraganglioma-Pheochromocytoma Syndrome. Identifiers: Orphanet 29072, MedGen C3279992, MONDO:0013602, OMIM 614165.
Hereditary pheochromocytoma and paraganglioma. Also called: Hereditary paragangliomas and pheochromocytomas; Hereditary pheochromocytoma-paraganglioma; Hereditary Paraganglioma-Pheochromocytoma Syndromes. Identifiers: Orphanet 29072, MedGen C4274332, MONDO:0017366.
Mitochondrial complex II deficiency, nuclear type 1. Also called: SUCCINATE CoQ REDUCTASE DEFICIENCY. Identifiers: Orphanet 3208, MedGen C5700310, MONDO:0100294, OMIM 252011.
Hereditary cancer-predisposing syndrome. Also called: Tumor predisposition; Neoplastic Syndromes, Hereditary; Hereditary Cancer Syndrome; Hereditary neoplastic syndrome. Identifiers: Orphanet 140162, MedGen C0027672, MeSH D009386, MONDO:0015356.
Dilated cardiomyopathy 1GG (CMD1GG). Identifiers: Orphanet 154, MedGen C3150898, MONDO:0013339, OMIM 613642.
Neurodegeneration with ataxia and late-onset optic atrophy. Identifiers: MedGen C5543254, MONDO:0031006, OMIM 619259.
Leigh syndrome (NULS). Also called: Leigh's necrotizing encephalopathy; Leigh Syndrome (mtDNA deletion); Subacute necrotizing encephalopathy; Necrotizing encephalopathy infantile subacute of Leigh; LEIGH SYNDROME, NUCLEAR; Leigh's syndrome. Identifiers: Orphanet 506, MedGen C2931891, MONDO:0009723, OMIM 256000.

Allele frequency attached by ClinVar (database versions not stated): TOPMed 0.01212; 1000 Genomes Project 30x 0.01452; ESP Exome Variant Server 0.01461; gnomAD 0.01515; 1000 Genomes Project 0.01518.
gnomAD v4.1: 26,226 of 1,613,896 alleles (1.6%); highest among the groups gnomAD compares: Middle Eastern, 3.6%; 292 homozygotes.

Submissions (18):

Labcorp Genetics (formerly Invitae), Labcorp
Classification: Benign for Pheochromocytoma/paraganglioma syndrome 5; Mitochondrial complex II deficiency, nuclear type 1. Last evaluated: 2026-02-04. Review status: criteria provided, single submitter. Criteria: Invitae Variant Classification Sherloc (09022015). Collection method: clinical testing. Allele origin: germline.

Mayo Clinic Laboratories, Mayo Clinic
Classification: Likely benign. Last evaluated: 2025-07-28. Review status: criteria provided, single submitter. Criteria: ACMG Guidelines, 2015. Collection method: clinical testing. Allele origin: germline. Observed: 46 variant alleles.
Comment: BS1, BP4, BP7

ARUP Laboratories, Molecular Genetics and Genomics, ARUP Laboratories
Classification: Benign. Last evaluated: 2025-06-02. Review status: criteria provided, single submitter. Criteria: ARUP Molecular Germline Variant Investigation Process 2024. Collection method: clinical testing. Allele origin: germline.

Quest Diagnostics Nichols Institute San Juan Capistrano
Classification: Benign. Last evaluated: 2025-03-21. Review status: criteria provided, single submitter. Criteria: Quest Diagnostics criteria. Collection method: clinical testing. Allele origin: unknown.

Myriad Genetics, Inc.
Classification: Benign for Pheochromocytoma/paraganglioma syndrome 5. Last evaluated: 2025-03-10. Review status: criteria provided, single submitter. Criteria: Myriad Autosomal Dominant, Autosomal Recessive and X-Linked Classification Criteria (2023). Collection method: clinical testing. Allele origin: unknown.
Comment: This variant is considered benign. This variant is a silent/synonymous amino acid change and it is not expected to impact splicing.

Center for Genomic Medicine, Rigshospitalet, Copenhagen University Hospital
Classification: Benign. Last evaluated: 2025-03-04. Review status: criteria provided, single submitter. Criteria: ACMG Guidelines, 2015. Collection method: clinical testing. Allele origin: germline.

Molecular Diagnostics Laboratory, Catalan Institute of Oncology
Classification: Benign for Hereditary cancer-predisposing syndrome. Last evaluated: 2025-01-08. Review status: criteria provided, single submitter. Criteria: ACMG Guidelines, 2015. Collection method: clinical testing. Allele origin: germline.
Comment: BA1, BS2_Supporting, BP4, BP7 c.1305G>T, located in exon 10 of the SDHA gene, is predicted to result in no amino acid change, p.(Leu435=)(BP7). The variant allele was found in 5005/267970 alleles, with a filtering allele frequency of 1,9% at 99% confidence, within the non-Finland European population in the gnomAD v2.1.1 database (non-cancer data set) (BA1) and has been observed in the homozygous state in 79 individuals (BS2_Supporting) The SpliceAI algorithm predicts no significant impact on splicing (BP4). Based on currently available information, the variant c.1305G>T should be considered a benign variant according to ACMG/AMP classification guidelines.

Blueprint Genetics
Classification: Likely benign. Last evaluated: 2024-11-26. Review status: criteria provided, single submitter. Criteria: ACMG Guidelines, 2015. Collection method: clinical testing. Allele origin: germline.

KCCC/NGS Laboratory, Kuwait Cancer Control Center
Classification: Benign for Pheochromocytoma/paraganglioma syndrome 5. Last evaluated: 2023-07-07. Review status: criteria provided, single submitter. Criteria: ACMG Guidelines, 2015. Collection method: clinical testing. Allele origin: germline. Affected: yes.

Department of Pathology and Laboratory Medicine, Sinai Health System
Classification: Benign for Mitochondrial complex II deficiency, nuclear type 1; Dilated cardiomyopathy 1GG; Pheochromocytoma/paraganglioma syndrome 5; Neurodegeneration with ataxia and late-onset optic atrophy. Last evaluated: 2021-12-01. Review status: criteria provided, single submitter. Criteria: ACMG Guidelines, 2015. Collection method: clinical testing. Allele origin: germline. Affected: yes.

Illumina Laboratory Services, Illumina
Classification: Benign for Hereditary Paraganglioma-Pheochromocytoma Syndromes. Last evaluated: 2018-01-12. Review status: criteria provided, single submitter. Criteria: ICSL Variant Classification Criteria 13 December 2019. Collection method: clinical testing. Allele origin: germline.
Comment: This variant was observed in the ICSL laboratory as part of a predisposition screen in an ostensibly healthy population. It had not been previously curated by ICSL or reported in the Human Gene Mutation Database (HGMD: prior to June 1st, 2018), and was therefore a candidate for classification through an automated scoring system. Utilizing variant allele frequency, disease prevalence and penetrance estimates, and inheritance mode, an automated score was calculated to assess if this variant is too frequent to cause the disease. Based on the score and internal cut-off values, a variant classified as benign is not then subjected to further curation. The score for this variant resulted in a classification of benign for this disease.

Illumina Laboratory Services, Illumina
Classification: Benign for Leigh syndrome. Last evaluated: 2018-01-12. Review status: criteria provided, single submitter. Criteria: ICSL Variant Classification Criteria 13 December 2019. Collection method: clinical testing. Allele origin: germline.
Comment: the same text as in the submission from Illumina Laboratory Services, Illumina above.

Illumina Laboratory Services, Illumina
Classification: Uncertain significance for Mitochondrial complex II deficiency, nuclear type 1. Last evaluated: 2018-01-12. Review status: criteria provided, single submitter. Criteria: ICSL Variant Classification Criteria 13 December 2019. Collection method: clinical testing. Allele origin: germline.

GeneDx
Classification: Benign. Last evaluated: 2017-11-13. Review status: criteria provided, single submitter. Criteria: GeneDx Variant Classification (06012015). Collection method: clinical testing. Allele origin: germline. Affected: yes.
Comment: This variant is considered likely benign or benign based on one or more of the following criteria: it is a conservative change, it occurs at a poorly conserved position in the protein, it is predicted to be benign by multiple in silico algorithms, and/or has population frequency not consistent with disease.

Ambry Genetics
Classification: Benign for Hereditary cancer-predisposing syndrome. Last evaluated: 2014-11-25. Review status: criteria provided, single submitter. Criteria: Ambry Variant Classification Scheme 2023. Collection method: clinical testing. Allele origin: germline.

PreventionGenetics, part of Exact Sciences
Classification: Benign. Review status: criteria provided, single submitter. Criteria: ACMG Guidelines, 2015. Collection method: clinical testing. Allele origin: germline.

Genome Diagnostics Laboratory, Amsterdam University Medical Center
Classification: Benign. Review status: no assertion criteria provided. Collection method: clinical testing. Allele origin: germline. Affected: yes. Study: VKGL Data-share Consensus. Not counted in ClinVar's aggregate classification.

Joint Genome Diagnostic Labs from Nijmegen and Maastricht, Radboudumc and MUMC+
Classification: Benign. Review status: no assertion criteria provided. Collection method: clinical testing. Allele origin: germline. Affected: yes. Study: VKGL Data-share Consensus. Not counted in ClinVar's aggregate classification.